The following is an entry in ClinVar:

ClinVar aggregate classification (germline): Uncertain significance. Review status: criteria provided, multiple submitters, no conflicts (2 of 4 stars). 2 submissions from 2 submitters: Uncertain significance (2). Last evaluated 2025-06-03.

Conditions:
Hereditary cancer-predisposing syndrome. Also called: Neoplastic Syndromes, Hereditary; Hereditary Cancer Syndrome; Hereditary neoplastic syndrome; Tumor predisposition. Identifiers: Orphanet 140162, MedGen C0027672, MeSH D009386, MONDO:0015356.
Gastrointestinal stromal tumor. Also called: Gastrointestinal stromal tumor, somatic; Gastrointestinal stroma tumor. Identifiers: Orphanet 44890, MedGen C0238198, MeSH D046152, MONDO:0011719, OMIM 606764, HP:0100723.

Allele frequency attached by ClinVar (database versions not stated): gnomAD exomes below 0.00001; gnomAD 0.00001.
gnomAD v4.1: 2 of 1,614,094 alleles (0.00012%); highest among the groups gnomAD compares: African/African-American, 0.0013%; no homozygotes.

Submissions (2):

Ambry Genetics
Classification: Uncertain significance for Hereditary cancer-predisposing syndrome. Last evaluated: 2025-06-03. Review status: criteria provided, single submitter. Criteria: Ambry Variant Classification Scheme 2023. Collection method: clinical testing. Allele origin: germline.
Comment: The p.E1031K variant (also known as c.3091G>A), located in coding exon 21 of the PDGFRA gene, results from a G to A substitution at nucleotide position 3091. The glutamic acid at codon 1031 is replaced by lysine, an amino acid with similar properties. This amino acid position is conserved. In addition, this alteration is predicted to be tolerated by in silico analysis. Based on the available evidence, the clinical significance of this variant remains unclear.

Labcorp Genetics (formerly Invitae), Labcorp
Classification: Uncertain significance for Gastrointestinal stromal tumor. Last evaluated: 2024-06-25. Review status: criteria provided, single submitter. Criteria: Invitae Variant Classification Sherloc (09022015). Collection method: clinical testing. Allele origin: germline.
Comment: This sequence change replaces glutamic acid, which is acidic and polar, with lysine, which is basic and polar, at codon 1031 of the PDGFRA protein (p.Glu1031Lys). This variant is present in population databases (no rsID available, gnomAD 0.01%). This variant has not been reported in the literature in individuals affected with PDGFRA-related conditions. ClinVar contains an entry for this variant (Variation ID: 1011804). Advanced modeling of protein sequence and biophysical properties (such as structural, functional, and spatial information, amino acid conservation, physicochemical variation, residue mobility, and thermodynamic stability) performed at Invitae indicates that this missense variant is not expected to disrupt PDGFRA protein function with a negative predictive value of 80%. In summary, the available evidence is currently insufficient to determine the role of this variant in disease. Therefore, it has been classified as a Variant of Uncertain Significance.

NM_006206.6(PDGFRA):c.3091G>A (p.Glu1031Lys)

Gene: PDGFRA (platelet derived growth factor receptor alpha; plus strand). Cytogenetic location: 4q12.
Variant type: single nucleotide variant.
Coding change: c.3091G>A on transcript NM_006206.6 (MANE Select); coding-DNA position 3091, G replaced by A.
Protein change: p.Glu1031Lys; replaces glutamic acid 1031 with lysine.
Molecular consequence: missense variant.
Genome position (GRCh38, 1-based): chr4:54,290,523, G>A. VCF-style: chr4-54290523-G-A. GRCh37 (hg19) VCF-style: chr4-55156690-G-A.
Other names: c.3091G>A (NM_006206.4); c.3166G>A, p.Glu1056Lys (NM_001347828.2); c.3091G>A, p.Glu1031Lys (NM_001347829.2); c.3130G>A, p.Glu1044Lys (NM_001347830.2); short protein forms E1031K, E1044K, E1056K.
Identifiers: ClinVar variation 1011804 (VCV001011804.17), dbSNP rs1444450672, ClinGen allele CA356896355.